The following is an entry in ClinVar:

ClinVar aggregate classification (germline): Likely benign. Review status: criteria provided, multiple submitters, no conflicts (2 of 4 stars). 2 submissions from 2 submitters: Likely benign (2). Last evaluated 2025-08-09.

Conditions:
SLC5A7-related disorder. Also called: SLC5A7-related condition.
Congenital myasthenic syndrome 20. Also called: Myasthenic syndrome, congenital, 20, presynaptic. Identifiers: MedGen C4310694, MONDO:0014939, OMIM 617143.
Neuronopathy, distal hereditary motor, type 7A. Also called: HARPER-YOUNG MYOPATHY; HMN VIIA; SPINAL MUSCULAR ATROPHY, DISTAL, WITH VOCAL CORD PARALYSIS; NEURONOPATHY, DISTAL HEREDITARY MOTOR, HARDING TYPE VIIA; NEUROPATHY, DISTAL HEREDITARY MOTOR, HARDING TYPE VIIA; Neuronopathy, distal hereditary motor, type viia. Identifiers: Orphanet 139589, MedGen C1834703, MONDO:0008024, OMIM 158580.

Allele frequency attached by ClinVar (database versions not stated): gnomAD exomes below 0.00001; gnomAD 0.00006 and 0.00007; TOPMed 0.00006.
gnomAD v4.1: 14 of 1,609,840 alleles (0.00087%); highest among the groups gnomAD compares: African/African-American, 0.012%; no homozygotes.

Submissions (2):

Labcorp Genetics (formerly Invitae), Labcorp
Classification: Likely benign for Neuronopathy, distal hereditary motor, type 7A; Congenital myasthenic syndrome 20. Last evaluated: 2025-08-09. Review status: criteria provided, single submitter. Criteria: Invitae Variant Classification Sherloc (09022015). Collection method: clinical testing. Allele origin: germline.

PreventionGenetics, part of Exact Sciences
Classification: Likely benign for SLC5A7-related condition. Last evaluated: 2025-02-17. Review status: criteria provided, single submitter. Criteria: ACMG Guidelines, 2015. Collection method: clinical testing. Allele origin: germline.
Comment: This variant is classified as likely benign based on ACMG/AMP sequence variant interpretation guidelines (Richards et al. 2015 PMID: 25741868, with internal and published modifications).

NM_021815.5(SLC5A7):c.471C>T (p.Ile157=)

Gene: SLC5A7 (solute carrier family 5 member 7; plus strand). Cytogenetic location: 2q12.3.
Variant type: single nucleotide variant.
Coding change: c.471C>T on transcript NM_021815.5 (MANE Select); coding-DNA position 471, C replaced by T.
Protein change: p.Ile157=; no amino-acid change (isoleucine 157 retained).
Molecular consequence: synonymous variant. On other transcripts: 5 prime UTR variant (1).
Genome position (GRCh38, 1-based): chr2:107,997,860, C>T. VCF-style: chr2-107997860-C-T. GRCh37 (hg19) VCF-style: chr2-108614316-C-T.
Other names: c.471C>T (NM_021815.4); c.471C>T, p.Ile157= (NM_001305005.3); c.156C>T, p.Ile52= (NM_001305006.3); c.-234C>T (NM_001305007.3).
Identifiers: ClinVar variation 1609306 (VCV001609306.9), dbSNP rs904669194, ClinGen allele CA53967967.